The following is an entry in ClinVar:

ClinVar aggregate classification (germline): Uncertain significance (1 of 4 stars; one submission).

Allele frequency attached by ClinVar (database versions not stated): gnomAD exomes below 0.00001.
gnomAD v4.1: 1 of 1,614,130 alleles (0.000062%); highest among the groups gnomAD compares: Non-Finnish European, 0.000085%; no homozygotes.

Submission:

Labcorp Genetics (formerly Invitae), Labcorp
Classification: Uncertain significance. Last evaluated: 2025-03-17. Review status: criteria provided, single submitter. Criteria: Invitae Variant Classification Sherloc (09022015). Collection method: clinical testing. Allele origin: germline.
Comment: This sequence change replaces glycine, which is neutral and non-polar, with serine, which is neutral and polar, at codon 3470 of the LRP2 protein (p.Gly3470Ser). This variant is not present in population databases (gnomAD no frequency). This variant has not been reported in the literature in individuals affected with LRP2-related conditions. ClinVar contains an entry for this variant (Variation ID: 1471138). Invitae Evidence Modeling of protein sequence and biophysical properties (such as structural, functional, and spatial information, amino acid conservation, physicochemical variation, residue mobility, and thermodynamic stability) indicates that this missense variant is not expected to disrupt LRP2 protein function with a negative predictive value of 95%. In summary, the available evidence is currently insufficient to determine the role of this variant in disease. Therefore, it has been classified as a Variant of Uncertain Significance.

NM_004525.3(LRP2):c.10408G>A (p.Gly3470Ser)

Gene: LRP2 (LDL receptor related protein 2; minus strand). Cytogenetic location: 2q31.1.
Variant type: single nucleotide variant.
Coding change: c.10408G>A on transcript NM_004525.3 (MANE Select); coding-DNA position 10408, G replaced by A.
Protein change: p.Gly3470Ser; replaces glycine 3470 with serine.
Molecular consequence: missense variant.
Genome position (GRCh38, 1-based): chr2:169,176,574, C>T on the plus strand (G>A on the coding strand, the complement: LRP2 is on the minus strand). VCF-style: chr2-169176574-C-T. GRCh37 (hg19) VCF-style: chr2-170033084-C-T.
Other names: short protein forms G3470S.
Identifiers: ClinVar variation 1471138 (VCV001471138.6), dbSNP rs2105286644, ClinGen allele CA349148110.